The following is an entry in ClinVar:

NM_001288705.3(CSF1R):c.2797_2802dup (p.Gly934_Ser935insGlyGly)

Gene: CSF1R (colony stimulating factor 1 receptor; minus strand). Cytogenetic location: 5q32.
Variant type: Duplication.
Coding change: c.2797_2802dup on transcript NM_001288705.3 (MANE Select); coding-DNA positions 2797 to 2802, 6 bases duplicated (GGTGGC; older notation c.2797_2802dupGGTGGC).
Protein change: p.Gly934_Ser935insGlyGly.
Molecular consequence: non-coding transcript variant (on NR_109969.2).
Genome position (GRCh38, 1-based): chr5:150,054,186-150,054,191, GCCACC duplicated on the plus strand (GGTGGC on the coding strand, the reverse complement: CSF1R is on the minus strand); duplicating any 6 consecutive bases within chr5:150,054,186-150,054,193 gives the same sequence; the c. name uses the placement nearest the transcript's 3' end. VCF-style (leftmost placement, unchanged base first): chr5-150054185-T-TGCCACC. GRCh37 (hg19) VCF-style: chr5-149433748-T-TGCCACC.
Other names: c.2797_2802dup, p.Gly934_Ser935insGlyGly (NM_001349736.2, NM_001375320.1, NM_005211.4); c.2353_2358dup, p.Gly786_Ser787insGlyGly (NM_001375321.1).
Identifiers: ClinVar variation 3497533 (VCV003497533.4).

ClinVar aggregate classification (germline): Uncertain significance. Review status: criteria provided, multiple submitters, no conflicts (2 of 4 stars). 3 submissions from 3 submitters: Uncertain significance (3). Last evaluated 2024-11-11.

Conditions:
Inborn genetic diseases. Identifiers: MedGen C0950123, MeSH D030342.

Submissions (3):

Labcorp Genetics (formerly Invitae), Labcorp
Classification: Uncertain significance. Last evaluated: 2024-11-11. Review status: criteria provided, single submitter. Criteria: Invitae Variant Classification Sherloc (09022015). Collection method: clinical testing. Allele origin: germline.
Comment: This variant, c.2797_2802dup, results in the insertion of 2 amino acid(s) of the CSF1R protein (p.Gly933_Gly934dup), but otherwise preserves the integrity of the reading frame. This variant is present in population databases (rs749808198, gnomAD 0.0009%). This variant has not been reported in the literature in individuals affected with CSF1R-related conditions. In summary, the available evidence is currently insufficient to determine the role of this variant in disease. Therefore, it has been classified as a Variant of Uncertain Significance.

Ambry Genetics
Classification: Uncertain significance for Inborn genetic diseases. Last evaluated: 2024-08-02. Review status: criteria provided, single submitter. Criteria: Ambry Variant Classification Scheme 2023. Collection method: clinical testing. Allele origin: germline.
Comment: The c.2797_2802dupGGTGGC (p.G933_G934dup) alteration is located in exon 22 (coding exon 21) of the CSF1R gene. The alteration consists of an in-frame duplication of 6 nucleotides from position 2797 to 2802, resulting in the duplication of 2 residues. Based on insufficient or conflicting evidence, the clinical significance of this alteration remains unclear.

Blueprint Genetics
Classification: Uncertain significance. Last evaluated: 2024-02-15. Review status: criteria provided, single submitter. Criteria: ACMG Guidelines, 2015. Collection method: clinical testing. Allele origin: germline.